The following is an entry in ClinVar:

NM_001142800.2(EYS):c.2899G>A (p.Val967Ile)

Gene: EYS (EGF-like photoreceptor maintenance factor; minus strand). Cytogenetic location: 6q12.
Variant type: single nucleotide variant.
Coding change: c.2899G>A on transcript NM_001142800.2 (MANE Select); coding-DNA position 2899, G replaced by A.
Protein change: p.Val967Ile; replaces valine 967 with isoleucine.
Molecular consequence: missense variant.
Genome position (GRCh38, 1-based): chr6:64,886,790, C>T on the plus strand (G>A on the coding strand, the complement: EYS is on the minus strand). VCF-style: chr6-64886790-C-T. GRCh37 (hg19) VCF-style: chr6-65596683-C-T.
Other names: c.2899G>A, p.Val967Ile (NM_001292009.2); short protein forms V967I.
Identifiers: ClinVar variation 2149464 (VCV002149464.4), dbSNP rs1767102317, ClinGen allele CA364788804.

ClinVar aggregate classification (germline): Uncertain significance. Review status: criteria provided, multiple submitters, no conflicts (2 of 4 stars). 2 submissions from 2 submitters: Uncertain significance (2). Last evaluated 2024-10-28.

gnomAD v4.1: 6 of 1,546,662 alleles (0.00039%); highest among the groups gnomAD compares: Non-Finnish European, 0.000087%; no homozygotes.

Submissions (2):

Blueprint Genetics
Classification: Uncertain significance. Last evaluated: 2024-10-28. Review status: criteria provided, single submitter. Criteria: ACMG Guidelines, 2015. Collection method: clinical testing. Allele origin: germline.

Labcorp Genetics (formerly Invitae), Labcorp
Classification: Uncertain significance. Last evaluated: 2024-10-08. Review status: criteria provided, single submitter. Criteria: Invitae Variant Classification Sherloc (09022015). Collection method: clinical testing. Allele origin: germline.
Comment: This sequence change replaces valine, which is neutral and non-polar, with isoleucine, which is neutral and non-polar, at codon 967 of the EYS protein (p.Val967Ile). This variant is not present in population databases (gnomAD no frequency). This variant has not been reported in the literature in individuals affected with EYS-related conditions. ClinVar contains an entry for this variant (Variation ID: 2149464). Invitae Evidence Modeling of protein sequence and biophysical properties (such as structural, functional, and spatial information, amino acid conservation, physicochemical variation, residue mobility, and thermodynamic stability) indicates that this missense variant is not expected to disrupt EYS protein function with a negative predictive value of 80%. In summary, the available evidence is currently insufficient to determine the role of this variant in disease. Therefore, it has been classified as a Variant of Uncertain Significance.